The following is an entry in ClinVar:

ClinVar aggregate classification (germline): Uncertain significance (1 of 4 stars; one submission).

Submission:

Labcorp Genetics (formerly Invitae), Labcorp
Classification: Uncertain significance. Last evaluated: 2024-02-26. Review status: criteria provided, single submitter. Criteria: Invitae Variant Classification Sherloc (09022015). Collection method: clinical testing. Allele origin: germline.
Comment: This sequence change replaces alanine, which is neutral and non-polar, with threonine, which is neutral and polar, at codon 2239 of the SPEG protein (p.Ala2239Thr). This variant is not present in population databases (gnomAD no frequency). This variant has not been reported in the literature in individuals affected with SPEG-related conditions. ClinVar contains an entry for this variant (Variation ID: 2091209). Algorithms developed to predict the effect of missense changes on protein structure and function output the following: SIFT: "Not Available"; PolyPhen-2: "Benign"; Align-GVGD: "Not Available". The threonine amino acid residue is found in multiple mammalian species, which suggests that this missense change does not adversely affect protein function. In summary, the available evidence is currently insufficient to determine the role of this variant in disease. Therefore, it has been classified as a Variant of Uncertain Significance.

NM_005876.5(SPEG):c.6715G>A (p.Ala2239Thr)

Genes: ASIC4-AS1 (ASIC4 antisense RNA 1; minus strand), SPEG (striated muscle enriched protein kinase; plus strand). Cytogenetic location: 2q35.
Variant type: single nucleotide variant.
Coding change: c.6715G>A on transcript NM_005876.5 (MANE Select); coding-DNA position 6715, G replaced by A.
Protein change: p.Ala2239Thr; replaces alanine 2239 with threonine.
Molecular consequence: missense variant.
Genome position (GRCh38, 1-based): chr2:219,484,178, G>A. VCF-style: chr2-219484178-G-A. GRCh37 (hg19) VCF-style: chr2-220348900-G-A.
Other names: short protein forms A2239T.
Identifiers: ClinVar variation 2091209 (VCV002091209.4), dbSNP rs2545938257, ClinGen allele CA350699107.